The following is an entry in ClinVar:

ClinVar aggregate classification (germline): Conflicting classifications of pathogenicity. Review status: criteria provided, conflicting classifications (1 of 4 stars). 2 submissions from 2 submitters: Uncertain significance (1); Likely benign (1). Last evaluated 2025-04-02.

Conditions:
Inborn genetic diseases. Identifiers: MedGen C0950123, MeSH D030342.
Cornelia de Lange syndrome 1 (CDLS1). Also called: TYPUS DEGENERATIVUS AMSTELODAMENSIS; Brachmann de Lange syndrome; NIPBL-Related Cornelia de Lange Syndrome. Identifiers: Orphanet 199, MedGen C4551851, MONDO:0007387, OMIM 122470.

gnomAD v4.1: 11 of 1,614,118 alleles (0.00068%); highest among the groups gnomAD compares: East Asian, 0.025%; no homozygotes.

Submissions (2):

Ambry Genetics
Classification: Likely benign for Inborn genetic diseases. Last evaluated: 2025-04-02. Review status: criteria provided, single submitter. Criteria: Ambry Variant Classification Scheme 2023. Collection method: clinical testing. Allele origin: germline.

Labcorp Genetics (formerly Invitae), Labcorp
Classification: Uncertain significance for Cornelia de Lange syndrome 1. Last evaluated: 2025-04-01. Review status: criteria provided, single submitter. Criteria: Invitae Variant Classification Sherloc (09022015). Collection method: clinical testing. Allele origin: germline.
Comment: This sequence change replaces threonine, which is neutral and polar, with alanine, which is neutral and non-polar, at codon 196 of the NIPBL protein (p.Thr196Ala). This variant is present in population databases (rs747476219, gnomAD 0.02%). This variant has not been reported in the literature in individuals affected with NIPBL-related conditions. Invitae Evidence Modeling of protein sequence and biophysical properties (such as structural, functional, and spatial information, amino acid conservation, physicochemical variation, residue mobility, and thermodynamic stability) indicates that this missense variant is not expected to disrupt NIPBL protein function with a negative predictive value of 95%. In summary, the available evidence is currently insufficient to determine the role of this variant in disease. Therefore, it has been classified as a Variant of Uncertain Significance.

NM_133433.4(NIPBL):c.586A>G (p.Thr196Ala)

Gene: NIPBL (NIPBL cohesin loading factor; plus strand). Cytogenetic location: 5p13.2.
Variant type: single nucleotide variant.
Coding change: c.586A>G on transcript NM_133433.4 (MANE Select); coding-DNA position 586, A replaced by G.
Protein change: p.Thr196Ala; replaces threonine 196 with alanine.
Molecular consequence: missense variant.
Genome position (GRCh38, 1-based): chr5:36,962,250, A>G. VCF-style: chr5-36962250-A-G. GRCh37 (hg19) VCF-style: chr5-36962352-A-G.
Other names: c.586A>G, p.Thr196Ala (NM_015384.5); short protein forms T196A.
Identifiers: ClinVar variation 3919837 (VCV003919837.2).